The following is an entry in ClinVar:

ClinVar aggregate classification (germline): Uncertain significance. Review status: criteria provided, multiple submitters, no conflicts (2 of 4 stars). 6 submissions from 6 submitters: Uncertain significance (5). 1 of the submissions does not count toward it. Last evaluated 2026-09-06.

Conditions:
ABCC2-related disorder. Also called: ABCC2-related condition.
Dubin-Johnson syndrome (DJS). Also called: Jaundice, Chronic Idiopathic; Hyperbilirubinemia type 2; HYPERBILIRUBINEMIA, DUBIN-JOHNSON TYPE. Identifiers: Orphanet 234, MedGen C0022350, MONDO:0009380, OMIM 237500.

Allele frequency attached by ClinVar (database versions not stated): ESP Exome Variant Server 0.00008; ExAC 0.00012; 1000 Genomes Project 30x 0.00016; gnomAD 0.00019 and 0.00021; 1000 Genomes Project 0.00020; TOPMed 0.00024.
gnomAD v4.1: 176 of 1,614,210 alleles (0.011%); highest among the groups gnomAD compares: East Asian, 0.11%; 3 homozygotes.

Submissions (6):

GeneDx
Classification: Uncertain significance. Last evaluated: 2026-09-06. Review status: criteria provided, single submitter. Criteria: GeneDx Variant Classification Process June 2021. Collection method: clinical testing. Allele origin: germline.
Comment: In silico analysis supports that this missense variant has a deleterious effect on protein structure/function; This variant is associated with the following publications: (PMID: 41836057)

Blueprint Genetics
Classification: Uncertain significance. Last evaluated: 2024-11-27. Review status: criteria provided, single submitter. Criteria: ACMG Guidelines, 2015. Collection method: clinical testing. Allele origin: germline.

Labcorp Genetics (formerly Invitae), Labcorp
Classification: Uncertain significance. Last evaluated: 2022-08-03. Review status: criteria provided, single submitter. Criteria: Invitae Variant Classification Sherloc (09022015). Collection method: clinical testing. Allele origin: germline.
Comment: This sequence change replaces alanine, which is neutral and non-polar, with serine, which is neutral and polar, at codon 1450 of the ABCC2 protein (p.Ala1450Ser). This variant is present in population databases (rs56296335, gnomAD 0.2%). This variant has not been reported in the literature in individuals affected with ABCC2-related conditions. ClinVar contains an entry for this variant (Variation ID: 290967). Algorithms developed to predict the effect of missense changes on protein structure and function are either unavailable or do not agree on the potential impact of this missense change (SIFT: "Deleterious"; PolyPhen-2: "Probably Damaging"; Align-GVGD: "Class C0"). Algorithms developed to predict the effect of sequence changes on RNA splicing suggest that this variant may create or strengthen a splice site. In summary, the available evidence is currently insufficient to determine the role of this variant in disease. Therefore, it has been classified as a Variant of Uncertain Significance.

Fulgent Genetics
Classification: Uncertain significance for Dubin-Johnson syndrome. Last evaluated: 2022-02-25. Review status: criteria provided, single submitter. Criteria: ACMG Guidelines, 2015. Collection method: clinical testing. Allele origin: unknown.

Eurofins Ntd Llc (ga)
Classification: Uncertain significance. Last evaluated: 2017-11-09. Review status: criteria provided, single submitter. Criteria: EGL Classification Definitions 2015. Collection method: clinical testing. Allele origin: germline. Observed: 5 variant alleles, 5 heterozygotes.

PreventionGenetics, part of Exact Sciences
Classification: Likely benign for ABCC2-related condition. Last evaluated: 2022-04-26. Review status: no assertion criteria provided. Collection method: clinical testing. Allele origin: germline. Not counted in ClinVar's aggregate classification.
Comment: This variant is classified as likely benign based on ACMG/AMP sequence variant interpretation guidelines (Richards et al. 2015 PMID: 25741868, with internal and published modifications).

NM_000392.5(ABCC2):c.4348G>T (p.Ala1450Ser)

Gene: ABCC2 (ATP binding cassette subfamily C member 2; plus strand). Cytogenetic location: 10q24.2.
Variant type: single nucleotide variant.
Coding change: c.4348G>T on transcript NM_000392.5 (MANE Select); coding-DNA position 4348, G replaced by T.
Protein change: p.Ala1450Ser; replaces alanine 1450 with serine.
Molecular consequence: missense variant.
Genome position (GRCh38, 1-based): chr10:99,850,636, G>T. VCF-style: chr10-99850636-G-T. GRCh37 (hg19) VCF-style: chr10-101610393-G-T.
Other names: c.4348G>T, p.Ala1450Ser (LRG_1208t1); short protein forms A1450S.
Identifiers: ClinVar variation 290967 (VCV000290967.12), dbSNP rs56296335, ClinGen allele CA5644118.